The following is an entry in ClinVar:

NM_000038.6(APC):c.8323G>A (p.Gly2775Arg)

Gene: APC (APC regulator of Wnt signaling pathway; plus strand). Cytogenetic location: 5q22.2.
Variant type: single nucleotide variant.
Coding change: c.8323G>A on transcript NM_000038.6 (MANE Select); coding-DNA position 8323, G replaced by A.
Protein change: p.Gly2775Arg; replaces glycine 2775 with arginine.
Molecular consequence: missense variant.
Genome position (GRCh38, 1-based): chr5:112,843,917, G>A. VCF-style: chr5-112843917-G-A. GRCh37 (hg19) VCF-style: chr5-112179614-G-A.
Other names: c.8323G>A, p.Gly2775Arg (NM_001127510.3, NM_001354895.2); c.8269G>A, p.Gly2757Arg (NM_001127511.3); c.8377G>A, p.Gly2793Arg (NM_001354896.2); c.8353G>A, p.Gly2785Arg (NM_001354897.2); c.8248G>A, p.Gly2750Arg (NM_001354898.2); c.8239G>A, p.Gly2747Arg (NM_001354899.2); c.8200G>A, p.Gly2734Arg (NM_001354900.2); c.8146G>A, p.Gly2716Arg (NM_001354901.2); and 5 more; short protein forms G2775R, G2757R, G2674R, G2750R, G2785R, G2793R, G2615R, G2649R.
Identifiers: ClinVar variation 571773 (VCV000571773.18), dbSNP rs1561622338, ClinGen allele CA16039392.

ClinVar aggregate classification (germline): Uncertain significance. Review status: criteria provided, multiple submitters, no conflicts (2 of 4 stars). 5 submissions from 5 submitters: Uncertain significance (5). Last evaluated 2025-07-29.

Conditions:
Familial adenomatous polyposis 1 (FAP1). Also called: POLYPOSIS, ADENOMATOUS INTESTINAL; FAMILIAL ADENOMATOUS POLYPOSIS 1, ATTENUATED. Identifiers: MedGen C2713442, MONDO:0021056, OMIM 175100. Disease mechanism: loss of function.
Hereditary cancer-predisposing syndrome. Also called: Hereditary neoplastic syndrome; Tumor predisposition; Neoplastic Syndromes, Hereditary; Hereditary Cancer Syndrome. Identifiers: Orphanet 140162, MedGen C0027672, MeSH D009386, MONDO:0015356.

Submissions (5):

Color Diagnostics, LLC DBA Color Health
Classification: Uncertain significance for Hereditary cancer-predisposing syndrome. Last evaluated: 2025-07-29. Review status: criteria provided, single submitter. Criteria: ACMG Guidelines, 2015. Collection method: clinical testing. Allele origin: germline.
Comment: This missense variant replaces glycine with arginine at codon 2775 of the APC protein. To our knowledge, functional studies have not been reported for this variant. This variant has not been reported in individuals affected with APC-related disorders in the literature. This variant has not been identified in the general population by the Genome Aggregation Database (gnomAD). The available evidence is insufficient to determine the role of this variant in disease conclusively. Therefore, this variant is classified as a Variant of Uncertain Significance.

Labcorp Genetics (formerly Invitae), Labcorp
Classification: Uncertain significance for Familial adenomatous polyposis 1. Last evaluated: 2025-05-30. Review status: criteria provided, single submitter. Criteria: Invitae Variant Classification Sherloc (09022015). Collection method: clinical testing. Allele origin: germline.
Comment: This sequence change replaces glycine, which is neutral and non-polar, with arginine, which is basic and polar, at codon 2775 of the APC protein (p.Gly2775Arg). This variant is not present in population databases (gnomAD no frequency). This variant has not been reported in the literature in individuals affected with APC-related conditions. ClinVar contains an entry for this variant (Variation ID: 571773). Invitae Evidence Modeling of protein sequence and biophysical properties (such as structural, functional, and spatial information, amino acid conservation, physicochemical variation, residue mobility, and thermodynamic stability) indicates that this missense variant is not expected to disrupt APC protein function with a negative predictive value of 95%. In summary, the available evidence is currently insufficient to determine the role of this variant in disease. Therefore, it has been classified as a Variant of Uncertain Significance.

Quest Diagnostics Nichols Institute San Juan Capistrano
Classification: Uncertain significance. Last evaluated: 2024-03-06. Review status: criteria provided, single submitter. Criteria: Quest Diagnostics criteria. Collection method: clinical testing. Allele origin: unknown.
Comment: The APC c.8323G>A (p.Gly2775Arg) variant has not been reported in individuals with APC-related conditions in the published literature. It also has not been reported in large, multi-ethnic general populations (Genome Aggregation Database). Analysis of this variant using bioinformatics tools for the prediction of the effect of amino acid changes on protein structure and function yielded predictions that this variant is damaging. Based on the available information, we are unable to determine the clinical significance of this variant.

GeneDx
Classification: Uncertain significance. Last evaluated: 2023-12-31. Review status: criteria provided, single submitter. Criteria: GeneDx Variant Classification Process June 2021. Collection method: clinical testing. Allele origin: germline. Affected: yes.
Comment: Not observed at significant frequency in large population cohorts (gnomAD); In silico analysis supports that this missense variant does not alter protein structure/function; Has not been previously published as pathogenic or benign to our knowledge; This variant is associated with the following publications: (PMID: 18199528)

Ambry Genetics
Classification: Uncertain significance for Hereditary cancer-predisposing syndrome. Last evaluated: 2021-09-23. Review status: criteria provided, single submitter. Criteria: Ambry Variant Classification Scheme 2023. Collection method: clinical testing. Allele origin: germline.
Comment: The p.G2775R variant (also known as c.8323G>A), located in coding exon 15 of the APC gene, results from a G to A substitution at nucleotide position 8323. The glycine at codon 2775 is replaced by arginine, an amino acid with dissimilar properties. This amino acid position is highly conserved in available vertebrate species. In addition, in silico predictors for this gene do not accurately predict pathogenicity. Since supporting evidence is limited at this time, the clinical significance of this alteration remains unclear.